The following is an entry in ClinVar:

NM_001267550.2(TTN):c.98252T>C (p.Ile32751Thr)

Genes: TTN (titin; minus strand), TTN-AS1 (TTN antisense RNA 1; plus strand). Cytogenetic location: 2q31.2.
Variant type: single nucleotide variant.
Coding change: c.98252T>C on transcript NM_001267550.2 (MANE Select); coding-DNA position 98252, T replaced by C.
Protein change: p.Ile32751Thr; replaces isoleucine 32751 with threonine.
Molecular consequence: missense variant. On other transcripts: non-coding transcript variant (1).
Genome position (GRCh38, 1-based): chr2:178,539,813, A>G on the plus strand (T>C on the coding strand, the complement: TTN is on the minus strand). VCF-style: chr2-178539813-A-G. GRCh37 (hg19) VCF-style: chr2-179404540-A-G.
Other names: c.93329T>C, p.Ile31110Thr (NM_001256850.1); c.71057T>C, p.Ile23686Thr (NM_003319.4); c.90548T>C, p.Ile30183Thr (NM_133378.4); c.71432T>C, p.Ile23811Thr (NM_133432.3); c.71633T>C, p.Ile23878Thr (NM_133437.4); short protein forms I31110T, I32751T, I30183T, I23686T, I23811T, I23878T.
Identifiers: ClinVar variation 516759 (VCV000516759.10), dbSNP rs746586029, ClinGen allele CA1986406.
Genomic context (GRCh38, chr2:178,539,813, plus strand): 5'-CCAGAATCACCCCTGTCTGCTTCTTTGATCACAAGCTCAGTGTGTGTTTCAGATGTTGCA[A>G]TCATGGCACGCTTACTAATATCCTGGCCTTCCTTGGTCCATTTACATATTGGGAATGGTT-3'
Protein context (NP_001254479.2, residues 32741-32761): EGQDISKRAM[Ile32751Thr]ATSETHTELV

ClinVar aggregate classification (germline): Conflicting classifications of pathogenicity. Review status: criteria provided, conflicting classifications (1 of 4 stars). 5 submissions from 5 submitters: Uncertain significance (3); Likely benign (2). Last evaluated 2026-04-23.

Conditions:
TTN-related disorder. Also called: TTN-related condition; TTN-related disease; TTN-related disorders.
Cardiovascular phenotype. Identifiers: MedGen CN230736.

Allele frequency attached by ClinVar (database versions not stated): ExAC 0.00002; gnomAD exomes 0.00002 and 0.00004; gnomAD 0.00003; TOPMed 0.00003.
gnomAD v4.1: 60 of 1,613,696 alleles (0.0037%); highest among the groups gnomAD compares: African/African-American, 0.0053%; no homozygotes.

Submissions (5):

PreventionGenetics, part of Exact Sciences
Classification: Uncertain significance for TTN-related condition. Last evaluated: 2026-04-23. Review status: criteria provided, single submitter. Criteria: ACMG Guidelines, 2015. Collection method: clinical testing. Allele origin: germline.
Comment: The TTN c.98252T>C variant is predicted to result in the amino acid substitution p.Ile32751Thr. To our knowledge, this variant has not been reported in the literature. This variant is reported in 0.0033% of alleles in individuals of South Asian descent in gnomAD. At this time, the clinical significance of this variant is uncertain due to the absence of conclusive functional and genetic evidence.

Revvity Omics, Revvity
Classification: Uncertain significance. Last evaluated: 2022-09-27. Review status: criteria provided, single submitter. Criteria: ACMG Guidelines, 2015. Collection method: clinical testing. Allele origin: germline.

Women's Health and Genetics/Laboratory Corporation of America, LabCorp
Classification: Uncertain significance. Last evaluated: 2022-09-24. Review status: criteria provided, single submitter. Criteria: LabCorp Variant Classification Summary - May 2015. Collection method: clinical testing. Allele origin: germline.

Ambry Genetics
Classification: Likely benign for Cardiovascular phenotype. Last evaluated: 2020-08-25. Review status: criteria provided, single submitter. Criteria: Ambry Variant Classification Scheme 2023. Collection method: clinical testing. Allele origin: germline.

GeneDx
Classification: Likely benign. Last evaluated: 2019-11-27. Review status: criteria provided, single submitter. Criteria: GeneDx Variant Classification Process June 2021. Collection method: clinical testing. Allele origin: germline. Affected: yes.